The following is an entry in ClinVar:

ClinVar aggregate classification (germline): Pathogenic. Review status: criteria provided, multiple submitters, no conflicts (2 of 4 stars). 4 submissions from 4 submitters: Pathogenic (4). Last evaluated 2025-03-03.

Conditions:
Myoclonic dystonia 11 (DYT11). Also called: DYT-SGCE; Myoclonic dystonia; Dystonia 11; Dystonia, alcohol responsive; Hereditary essential myoclonus; SGCE Myoclonus-Dystonia. Identifiers: Orphanet 36899, MedGen C1834570, MONDO:0008044, OMIM 159900.

Submissions (4):

Institute of Human Genetics Munich, TUM University Hospital
Classification: Pathogenic for Myoclonic dystonia 11. Last evaluated: 2025-03-03. Review status: criteria provided, single submitter. Criteria: Classification criteria August 2017. Collection method: clinical testing. Allele origin: germline. Inheritance: Autosomal dominant inheritance. Affected: yes. Observed: 1 variant allele.

Labcorp Genetics (formerly Invitae), Labcorp
Classification: Pathogenic for Myoclonic dystonia 11. Last evaluated: 2025-02-12. Review status: criteria provided, single submitter. Criteria: Invitae Variant Classification Sherloc (09022015). Collection method: clinical testing. Allele origin: germline.
Comment: This sequence change creates a premature translational stop signal (p.Tyr134*) in the SGCE gene. It is expected to result in an absent or disrupted protein product. Loss-of-function variants in SGCE are known to be pathogenic (PMID: 12821748, 15389977, 17853490, 24297365). This variant is not present in population databases (gnomAD no frequency). This premature translational stop signal has been observed in individual(s) with myoclonus–dystonia syndrome (PMID: 17853490). ClinVar contains an entry for this variant (Variation ID: 448357). For these reasons, this variant has been classified as Pathogenic.

Mendelics
Classification: Pathogenic for Myoclonic dystonia 11. Last evaluated: 2019-05-28. Review status: criteria provided, single submitter. Criteria: Mendelics Assertion Criteria 2017. Collection method: clinical testing. Allele origin: unknown.

Athena Diagnostics
Classification: Pathogenic. Last evaluated: 2016-12-02. Review status: criteria provided, single submitter. Criteria: Athena Diagnostics Criteria. Collection method: clinical testing. Allele origin: germline.

Literature cited by the submitters: PubMed 12821748 (cited by Labcorp Genetics (formerly Invitae), Labcorp); PubMed 15389977 (cited by Labcorp Genetics (formerly Invitae), Labcorp); PubMed 17853490 (cited by Labcorp Genetics (formerly Invitae), Labcorp and Athena Diagnostics); PubMed 24297365 (cited by Labcorp Genetics (formerly Invitae), Labcorp).

NM_003919.3(SGCE):c.402C>A (p.Tyr134Ter)

Genes: CASD1 (CAS1 domain sialic acid O acetyltransferase 1; plus strand), SGCE (sarcoglycan epsilon; minus strand). Cytogenetic location: 7q21.3.
Variant type: single nucleotide variant.
Coding change: c.402C>A on transcript NM_003919.3 (MANE Select); coding-DNA position 402, C replaced by A.
Protein change: p.Tyr134Ter; replaces tyrosine 134 with a stop codon.
Molecular consequence: nonsense.
Genome position (GRCh38, 1-based): chr7:94,623,386, G>T on the plus strand (C>A on the coding strand, the complement: SGCE is on the minus strand). VCF-style: chr7-94623386-G-T. GRCh37 (hg19) VCF-style: chr7-94252698-G-T.
Other names: c.402C>A, p.Tyr134Ter (NM_001099400.2, NM_001099401.2, NM_001346717.2); c.279C>A, p.Tyr93Ter (NM_001301139.2, NM_001362809.2); c.510C>A, p.Tyr170Ter (NM_001346713.2, NM_001346715.2); c.315C>A, p.Tyr105Ter (NM_001346719.2, NM_001362807.2); c.129C>A, p.Tyr43Ter (NM_001346720.2, NM_001362808.2); short protein forms Y134*, Y105*, Y170*, Y43*, Y93*.
Identifiers: ClinVar variation 448357 (VCV000448357.8), dbSNP rs1554355416, ClinGen allele CA368236902.
Genomic context (GRCh38, chr7:94,623,386, plus strand): 5'-TTCTGCAGACATTATATTAATTATCAAATTATGCCTTGCAGTCTCAAAGGTGCGCCTGTT[G>T]TAGGCAGTTATCTATTATAAAAGGAAAACCATATTAAAGAAGTGAAATGTTCTTTGTAAA-3'